The following is an entry in ClinVar:

ClinVar aggregate classification (germline): Pathogenic (1 of 4 stars; one submission).

Conditions:
Marfan syndrome (MFS). Also called: MARFAN SYNDROME, TYPE I; Marfan syndrome type 1; Marfan's syndrome; Marfan syndrome, classic; FBN1-Related Marfan Syndrome. Identifiers: Orphanet 284963, Orphanet 558, MedGen C0024796, MONDO:0007947, OMIM 154700.
Familial thoracic aortic aneurysm and aortic dissection (TAAD). Also called: Thoracic aortic aneurysms and dissections. Identifiers: Orphanet 91387, MedGen C4707243, MONDO:0019625.

Submission:

Labcorp Genetics (formerly Invitae), Labcorp
Classification: Pathogenic for Marfan syndrome; Familial thoracic aortic aneurysm and aortic dissection. Last evaluated: 2024-12-02. Review status: criteria provided, single submitter. Criteria: Invitae Variant Classification Sherloc (09022015). Collection method: clinical testing. Allele origin: germline.
Comment: This sequence change creates a premature translational stop signal (p.Asp1930Glyfs*2) in the FBN1 gene. It is expected to result in an absent or disrupted protein product. Loss-of-function variants in FBN1 are known to be pathogenic (PMID: 17657824, 19293843). This variant is not present in population databases (gnomAD no frequency). This variant has not been reported in the literature in individuals affected with FBN1-related conditions. Algorithms developed to predict the effect of sequence changes on RNA splicing suggest that this variant may disrupt the consensus splice site. For these reasons, this variant has been classified as Pathogenic.

Literature cited by the submitters: PubMed 17657824; PubMed 19293843.

NM_000138.5(FBN1):c.5789_5790del (p.Asp1930fs)

Gene: FBN1 (fibrillin 1; minus strand). Cytogenetic location: 15q21.1.
Variant type: Deletion.
Coding change: c.5789_5790del on transcript NM_000138.5 (MANE Select); coding-DNA positions 5789 to 5790, 2 bases deleted (AT; older notation c.5789_5790delAT).
Protein change: p.Asp1930fs; shifts the reading frame from aspartic acid 1930.
Molecular consequence: frameshift variant.
Genome position (GRCh38, 1-based): chr15:48,445,503-48,445,504, AT deleted on the plus strand (AT on the coding strand, the reverse complement: FBN1 is on the minus strand). VCF-style (leftmost placement, unchanged base first): chr15-48445502-CAT-C. GRCh37 (hg19) VCF-style: chr15-48737699-CAT-C.
Other names: c.5789_5790del, p.Asp1930fs (NM_001406716.1); short protein forms D1930fs.
Identifiers: ClinVar variation 3759939 (VCV003759939.2).